The following is an entry in ClinVar:

ClinVar aggregate classification (germline): Uncertain significance (1 of 4 stars; one submission).

Allele frequency attached by ClinVar (database versions not stated): gnomAD exomes below 0.00001.
gnomAD v4.1: 1 of 1,511,056 alleles (0.000066%); highest among the groups gnomAD compares: East Asian, 0.0024%; no homozygotes.

Submission:

Labcorp Genetics (formerly Invitae), Labcorp
Classification: Uncertain significance. Last evaluated: 2024-01-08. Review status: criteria provided, single submitter. Criteria: Invitae Variant Classification Sherloc (09022015). Collection method: clinical testing. Allele origin: germline.
Comment: This sequence change replaces histidine, which is basic and polar, with proline, which is neutral and non-polar, at codon 1581 of the ARID1A protein (p.His1581Pro). This variant is not present in population databases (gnomAD no frequency). This variant has not been reported in the literature in individuals affected with ARID1A-related conditions. Advanced modeling of protein sequence and biophysical properties (such as structural, functional, and spatial information, amino acid conservation, physicochemical variation, residue mobility, and thermodynamic stability) performed at Invitae indicates that this missense variant is expected to disrupt ARID1A protein function with a positive predictive value of 80%. In summary, the available evidence is currently insufficient to determine the role of this variant in disease. Therefore, it has been classified as a Variant of Uncertain Significance.

NM_006015.6(ARID1A):c.4742A>C (p.His1581Pro)

Gene: ARID1A (AT-rich interaction domain 1A; plus strand). Cytogenetic location: 1p36.11.
Variant type: single nucleotide variant.
Coding change: c.4742A>C on transcript NM_006015.6 (MANE Select); coding-DNA position 4742, A replaced by C.
Protein change: p.His1581Pro; replaces histidine 1581 with proline.
Molecular consequence: missense variant. On other transcripts: intron variant (1).
Genome position (GRCh38, 1-based): chr1:26,774,969, A>C. VCF-style: chr1-26774969-A-C. GRCh37 (hg19) VCF-style: chr1-27101460-A-C.
Other names: c.4102-11A>C (NM_139135.4); short protein forms H1581P.
Identifiers: ClinVar variation 2784976 (VCV002784976.3), dbSNP rs2124121953, ClinGen allele CA339178174.